The following is an entry in ClinVar:

NM_001370100.5(ZMYND11):c.1272dup (p.Pro425fs)

Genes: ZMYND11 (zinc finger MYND-type containing 11; plus strand), LOC126860802 (BRD4-independent group 4 enhancer GRCh37_chr10:294268-295467; plus strand). Cytogenetic location: 10p15.3.
Variant type: Duplication.
Coding change: c.1272dup on transcript NM_001370100.5 (MANE Select); coding-DNA position 1272, one base duplicated (A; older notation c.1272dupA).
Protein change: p.Pro425fs; shifts the reading frame from proline 425.
Molecular consequence: frameshift variant. On other transcripts: non-coding transcript variant (1).
Genome position (GRCh38, 1-based): chr10:248,380, A duplicated. VCF-style (leftmost placement, unchanged base first): chr10-248379-T-TA. GRCh37 (hg19) VCF-style: chr10-294319-T-TA.
Other names: c.1110dup, p.Pro371fs (NM_001202464.3, NM_001202467.1, NM_001370103.2 and 6 more transcripts); c.1017dup, p.Pro340fs (NM_001202465.3, NM_001370110.2); c.1107dup, p.Pro370fs (NM_001202466.3, NM_001370111.2); c.1272dup, p.Pro425fs (NM_001202468.1, NM_001370097.3, NM_001370098.2 and 4 more transcripts); c.1221dup, p.Pro408fs (NM_001330057.3, NM_001370112.2); c.1179dup, p.Pro394fs (NM_001370113.2, NM_001370114.2); c.1269dup, p.Pro424fs (NM_001370115.2, NM_212479.4); c.1206dup, p.Pro403fs (NM_001370116.2); and 8 more; short protein forms P425fs, P268fs, P306fs, P323fs, P331fs, P340fs, P349fs, P370fs.
Identifiers: ClinVar variation 4866914 (VCV004866914.1).

ClinVar aggregate classification (germline): Pathogenic (1 of 4 stars; one submission).

Conditions:
Inborn genetic diseases. Identifiers: MedGen C0950123, MeSH D030342.

Submission:

Ambry Genetics
Classification: Pathogenic for Inborn genetic diseases. Last evaluated: 2026-06-12. Review status: criteria provided, single submitter. Criteria: Ambry Variant Classification Scheme 2023. Collection method: clinical testing. Allele origin: germline.
Comment: The c.1272dupA (p.P425Tfs*45) alteration, located in exon 13 (coding exon 12) of the ZMYND11 gene, consists of a duplication of A at position 1272, causing a translational frameshift with a predicted alternate stop codon after 45 amino acids. This variant is expected to result in loss of function by premature protein truncation or nonsense-mediated mRNA decay. This variant was not reported in population-based cohorts in the Genome Aggregation Database (gnomAD). Based on the available evidence, this alteration is classified as pathogenic.